The following is an entry in ClinVar:

NM_002354.3(EPCAM):c.532C>G (p.Pro178Ala)

Gene: EPCAM (epithelial cell adhesion molecule; plus strand). Cytogenetic location: 2p21.
Variant type: single nucleotide variant.
Coding change: c.532C>G on transcript NM_002354.3 (MANE Select); coding-DNA position 532, C replaced by G.
Protein change: p.Pro178Ala; replaces proline 178 with alanine.
Molecular consequence: missense variant.
Genome position (GRCh38, 1-based): chr2:47,377,054, C>G. VCF-style: chr2-47377054-C-G. GRCh37 (hg19) VCF-style: chr2-47604193-C-G.
Other names: short protein forms P178A.
Identifiers: ClinVar variation 1746867 (VCV001746867.3), dbSNP rs777222396, ClinGen allele CA1649041.

ClinVar aggregate classification (germline): Uncertain significance (1 of 4 stars; one submission).

Conditions:
Hereditary cancer-predisposing syndrome. Also called: Hereditary Cancer Syndrome; Neoplastic Syndromes, Hereditary; Tumor predisposition; Hereditary neoplastic syndrome. Identifiers: Orphanet 140162, MedGen C0027672, MeSH D009386, MONDO:0015356.

Allele frequency attached by ClinVar (database versions not stated): gnomAD exomes below 0.00001; ExAC 0.00001.
gnomAD v4.1: 5 of 1,608,784 alleles (0.00031%); highest among the groups gnomAD compares: Non-Finnish European, 0.00043%; no homozygotes.

Submission:

Ambry Genetics
Classification: Uncertain significance for Hereditary cancer-predisposing syndrome. Last evaluated: 2025-02-28. Review status: criteria provided, single submitter. Criteria: Ambry Variant Classification Scheme 2023. Collection method: clinical testing. Allele origin: germline.
Comment: The p.P178A variant (also known as c.532C>G), located in coding exon 5 of the EPCAM gene, results from a C to G substitution at nucleotide position 532. The proline at codon 178 is replaced by alanine, an amino acid with highly similar properties. This amino acid position is conserved. In addition, this alteration is predicted to be tolerated by in silico analysis. Since supporting evidence is limited at this time, the clinical significance of this alteration remains unclear.